The following is an entry in ClinVar:

ClinVar aggregate classification (germline): Uncertain significance (1 of 4 stars; one submission).

gnomAD v4.1: 4 of 1,614,170 alleles (0.00025%); highest among the groups gnomAD compares: South Asian, 0.0044%; no homozygotes.

Submission:

Labcorp Genetics (formerly Invitae), Labcorp
Classification: Uncertain significance. Last evaluated: 2025-04-12. Review status: criteria provided, single submitter. Criteria: Invitae Variant Classification Sherloc (09022015). Collection method: clinical testing. Allele origin: germline.
Comment: This sequence change replaces histidine, which is basic and polar, with leucine, which is neutral and non-polar, at codon 2447 of the CELSR2 protein (p.His2447Leu). This variant is present in population databases (rs776069307, gnomAD 0.01%). This variant has not been reported in the literature in individuals affected with CELSR2-related conditions. Invitae Evidence Modeling of protein sequence and biophysical properties (such as structural, functional, and spatial information, amino acid conservation, physicochemical variation, residue mobility, and thermodynamic stability) indicates that this missense variant is expected to disrupt CELSR2 protein function with a positive predictive value of 80%. In summary, the available evidence is currently insufficient to determine the role of this variant in disease. Therefore, it has been classified as a Variant of Uncertain Significance.

NM_001408.3(CELSR2):c.7340A>T (p.His2447Leu)

Gene: CELSR2 (cadherin EGF LAG seven-pass G-type receptor 2; plus strand). Cytogenetic location: 1p13.3.
Variant type: single nucleotide variant.
Coding change: c.7340A>T on transcript NM_001408.3 (MANE Select); coding-DNA position 7340, A replaced by T.
Protein change: p.His2447Leu; replaces histidine 2447 with leucine.
Molecular consequence: missense variant.
Genome position (GRCh38, 1-based): chr1:109,270,457, A>T. VCF-style: chr1-109270457-A-T. GRCh37 (hg19) VCF-style: chr1-109813079-A-T.
Other names: short protein forms H2447L.
Identifiers: ClinVar variation 4774854 (VCV004774854.1).